The following is an entry in ClinVar:

NM_000059.4(BRCA2):c.569C>G (p.Pro190Arg)

Gene: BRCA2 (BRCA2 DNA repair associated; plus strand). Cytogenetic location: 13q13.1.
Variant type: single nucleotide variant.
Coding change: c.569C>G on transcript NM_000059.4 (MANE Select); coding-DNA position 569, C replaced by G.
Protein change: p.Pro190Arg; replaces proline 190 with arginine.
Molecular consequence: missense variant. On other transcripts: non-coding transcript variant (1).
Genome position (GRCh38, 1-based): chr13:32,326,551, C>G. VCF-style: chr13-32326551-C-G. GRCh37 (hg19) VCF-style: chr13-32900688-C-G.
Other names: c.569C>G, p.Pro190Arg (NM_001406719.1, NM_001406720.1, NM_001406721.1 and 1 more transcripts); c.200C>G, p.Pro67Arg (NM_001406722.1); short protein forms P190R, P67R.
Identifiers: ClinVar variation 3636413 (VCV003636413.2).

ClinVar aggregate classification (germline): Uncertain significance (1 of 4 stars; one submission).

Conditions:
Hereditary breast ovarian cancer syndrome. Also called: Hereditary breast and ovarian cancer syndrome; Hereditary breast and ovarian cancer syndrome (HBOC); BRCA1- and BRCA2-Associated Hereditary Breast and Ovarian Cancer; Hereditary breast and ovarian cancer; Breast and ovarian cancer; Hereditary breast and/or ovarian cancer syndrome. Identifiers: Orphanet 145, MedGen C0677776, MeSH D061325, MONDO:0003582. Disease mechanism: loss of function.

gnomAD v4.1: 1 of 1,614,050 alleles (0.000062%); highest among the groups gnomAD compares: Non-Finnish European, 0.000085%; no homozygotes.

Submission:

Labcorp Genetics (formerly Invitae), Labcorp
Classification: Uncertain significance for Hereditary breast ovarian cancer syndrome. Last evaluated: 2024-03-18. Review status: criteria provided, single submitter. Criteria: Invitae Variant Classification Sherloc (09022015). Collection method: clinical testing. Allele origin: germline.
Comment: This sequence change replaces proline, which is neutral and non-polar, with arginine, which is basic and polar, at codon 190 of the BRCA2 protein (p.Pro190Arg). This variant is not present in population databases (gnomAD no frequency). This variant has not been reported in the literature in individuals affected with BRCA2-related conditions. Advanced modeling of protein sequence and biophysical properties (such as structural, functional, and spatial information, amino acid conservation, physicochemical variation, residue mobility, and thermodynamic stability) performed at Invitae indicates that this missense variant is not expected to disrupt BRCA2 protein function with a negative predictive value of 95%. In summary, the available evidence is currently insufficient to determine the role of this variant in disease. Therefore, it has been classified as a Variant of Uncertain Significance.